The following is an entry in ClinVar:

NM_020919.4(ALS2):c.138del (p.Ala47fs)

Gene: ALS2 (alsin Rho guanine nucleotide exchange factor ALS2; minus strand). Cytogenetic location: 2q33.1.
Variant type: Deletion.
Coding change: c.138del on transcript NM_020919.4 (MANE Select); coding-DNA position 138, one base deleted (A; older notation c.138delA).
Protein change: p.Ala47fs; shifts the reading frame from alanine 47.
Molecular consequence: frameshift variant.
Genome position (GRCh38, 1-based): chr2:201,767,266, T deleted on the plus strand (A on the coding strand, the reverse complement: ALS2 is on the minus strand). VCF-style (leftmost placement, unchanged base first): chr2-201767265-CT-C. GRCh37 (hg19) VCF-style: chr2-202631988-CT-C.
Other names: c.138delA(A261del); c.138del, p.Ala47fs (NM_001135745.2); short protein forms A47fs.
Identifiers: ClinVar variation 4405 (VCV000004405.4), dbSNP rs386134173, ClinGen allele CA340238.

ClinVar aggregate classification (germline): Pathogenic. Review status: no assertion criteria provided (0 of 4 stars). 2 submissions from 2 submitters: Pathogenic (2). Last evaluated 2011-02-10.

Conditions:
Amyotrophic lateral sclerosis type 2, juvenile. Also called: Amyotrophic lateral sclerosis type 2; ALS, JUVENILE. Identifiers: Orphanet 300605, MedGen C1859807, MONDO:0008780, OMIM 205100.

Submissions (2):

GeneReviews
Classification: Pathogenic for ALS2-Related Disorders. Last evaluated: 2011-02-10. Review status: no assertion criteria provided. Collection method: curation. Allele origin: unknown.
ClinVar note: Converted during submission from pathologic to Pathogenic.

OMIM
Classification: Pathogenic for AMYOTROPHIC LATERAL SCLEROSIS 2, JUVENILE. Last evaluated: 2001-10-01. Review status: no assertion criteria provided. Collection method: literature only. Allele origin: germline.

Literature cited by the submitters: PubMed 2328408 (cited by OMIM); Hentati, A., Bejaoui, K., Pericak-Vance, M. A., Hentati, F., Yen-Hung, W., Figlewicz, D. A., Ben Hamida, C., Ben Hamida, M., Brown, R. H., Jr., Siddique, T. The gene locus for one form of juvenile amyotrophic lateral sclerosis maps to chromosome 2. (Abstract) Am. J. Hum. Genet. 51 (suppl.): A33-only, 1992. (cited by OMIM); PubMed 7920663 (cited by OMIM); PubMed 11586297 (cited by OMIM); Hadano, S. Personal Communication. 2002. Isehara, Japan (cited by OMIM); PubMed 16321985 (cited by OMIM).